The following is an entry in ClinVar:

ClinVar aggregate classification (germline): Likely benign. Review status: criteria provided, multiple submitters, no conflicts (2 of 4 stars). 4 submissions from 4 submitters: Likely benign (4). Last evaluated 2025-09-23.

Conditions:
Inborn genetic diseases. Identifiers: MedGen C0950123, MeSH D030342.
Benign neonatal seizures. Also called: Convulsions benign familial neonatal dominant form; Autosomal dominant form of benign neonatal seizures; Benign familial neonatal seizures; Benign neonatal familial convulsions; Benign familial neonatal epilepsy. Identifiers: Orphanet 1949, MedGen C0220669, MONDO:0016027.

Allele frequency attached by ClinVar (database versions not stated): gnomAD exomes 0.00001; TOPMed 0.00002.

Submissions (4):

Labcorp Genetics (formerly Invitae), Labcorp
Classification: Likely benign for Benign neonatal seizures. Last evaluated: 2025-09-23. Review status: criteria provided, single submitter. Criteria: Invitae Variant Classification Sherloc (09022015). Collection method: clinical testing. Allele origin: germline.

Ambry Genetics
Classification: Likely benign for Inborn genetic diseases. Last evaluated: 2019-12-30. Review status: criteria provided, single submitter. Criteria: Ambry Variant Classification Scheme 2023. Collection method: clinical testing. Allele origin: germline.

Athena Diagnostics
Classification: Likely benign. Last evaluated: 2017-06-29. Review status: criteria provided, single submitter. Criteria: Athena Diagnostics Criteria. Collection method: clinical testing. Allele origin: germline.

GeneDx
Classification: Likely benign. Last evaluated: 2016-04-12. Review status: criteria provided, single submitter. Criteria: GeneDx Variant Classification (06012015). Collection method: clinical testing. Allele origin: germline. Affected: yes.
Comment: This variant is considered likely benign or benign based on one or more of the following criteria: it is a conservative change, it occurs at a poorly conserved position in the protein, it is predicted to be benign by multiple in silico algorithms, and/or has population frequency not consistent with disease.

NM_004519.4(KCNQ3):c.2562G>A (p.Ser854=)

Gene: KCNQ3 (potassium voltage-gated channel subfamily Q member 3; minus strand). Cytogenetic location: 8q24.22.
Variant type: single nucleotide variant.
Coding change: c.2562G>A on transcript NM_004519.4 (MANE Select); coding-DNA position 2562, G replaced by A.
Protein change: p.Ser854=; no amino-acid change (serine 854 retained).
Molecular consequence: synonymous variant.
Genome position (GRCh38, 1-based): chr8:132,129,319, C>T on the plus strand (G>A on the coding strand, the complement: KCNQ3 is on the minus strand). VCF-style: chr8-132129319-C-T. GRCh37 (hg19) VCF-style: chr8-133141566-C-T.
Other names: c.2202G>A, p.Ser734= (NM_001204824.2).
Identifiers: ClinVar variation 385375 (VCV000385375.11), dbSNP rs201736771, ClinGen allele CA16605310.